The following is an entry in ClinVar:

NM_017755.6(NSUN2):c.1422G>A (p.Pro474=)

Gene: NSUN2 (NOP2/Sun RNA methyltransferase 2; minus strand). Cytogenetic location: 5p15.31.
Variant type: single nucleotide variant.
Coding change: c.1422G>A on transcript NM_017755.6 (MANE Select); coding-DNA position 1422, G replaced by A.
Protein change: p.Pro474=; no amino-acid change (proline 474 retained).
Molecular consequence: synonymous variant. On other transcripts: non-coding transcript variant (1).
Genome position (GRCh38, 1-based): chr5:6,607,286, C>T on the plus strand (G>A on the coding strand, the complement: NSUN2 is on the minus strand). VCF-style: chr5-6607286-C-T. GRCh37 (hg19) VCF-style: chr5-6607399-C-T.
Other names: c.1317G>A, p.Pro439= (NM_001193455.2).
Identifiers: ClinVar variation 589252 (VCV000589252.23), dbSNP rs1055478673, ClinGen allele CA3192439.

ClinVar aggregate classification (germline): Conflicting classifications of pathogenicity. Review status: criteria provided, conflicting classifications (1 of 4 stars). 6 submissions from 6 submitters: Uncertain significance (1); Benign (1); Likely benign (4). Last evaluated 2025-11-01.

Conditions:
Inborn genetic diseases. Identifiers: MedGen C0950123, MeSH D030342.
Intellectual developmental disorder, autosomal recessive 5. Also called: Intellectual disability, autosomal recessive 5. Identifiers: Orphanet 88616, MedGen C1970199, MONDO:0012613, OMIM 611091.

Allele frequency attached by ClinVar (database versions not stated): gnomAD exomes 0.00019 and 0.00037; TOPMed 0.00025; gnomAD 0.00021; ExAC 0.00032.
gnomAD v4.1: 329 of 1,614,066 alleles (0.02%); highest among the groups gnomAD compares: Middle Eastern, 0.049%; no homozygotes.

Submissions (6):

CeGaT Center for Human Genetics Tuebingen
Classification: Likely benign. Last evaluated: 2025-11-01. Review status: criteria provided, single submitter. Criteria: CeGaT Center For Human Genetics Tuebingen Variant Classification Criteria Version 2. Collection method: clinical testing. Allele origin: germline. Affected: yes. Observed: 1 variant allele.
Comment: NSUN2: BP4, BP7

Labcorp Genetics (formerly Invitae), Labcorp
Classification: Benign. Last evaluated: 2025-08-15. Review status: criteria provided, single submitter. Criteria: Invitae Variant Classification Sherloc (09022015). Collection method: clinical testing. Allele origin: germline.

Blueprint Genetics
Classification: Likely benign. Last evaluated: 2024-11-05. Review status: criteria provided, single submitter. Criteria: ACMG Guidelines, 2015. Collection method: clinical testing. Allele origin: germline.

GeneDx
Classification: Likely benign. Last evaluated: 2021-01-05. Review status: criteria provided, single submitter. Criteria: GeneDx Variant Classification Process June 2021. Collection method: clinical testing. Allele origin: germline. Affected: yes.

Illumina Laboratory Services, Illumina
Classification: Uncertain significance for Intellectual developmental disorder, autosomal recessive 5. Last evaluated: 2018-01-12. Review status: criteria provided, single submitter. Criteria: ICSL Variant Classification Criteria 13 December 2019. Collection method: clinical testing. Allele origin: germline.

Ambry Genetics
Classification: Likely benign for Inborn genetic diseases. Last evaluated: 2016-04-07. Review status: criteria provided, single submitter. Criteria: Ambry Variant Classification Scheme 2023. Collection method: clinical testing. Allele origin: germline.